The following is an entry in ClinVar:

ClinVar aggregate classification (germline): Likely benign (1 of 4 stars; one submission).

Conditions:
GPR156-related disorder. Also called: GPR156-related condition.

Submission:

PreventionGenetics, part of Exact Sciences
Classification: Likely benign for GPR156-related condition. Last evaluated: 2025-11-09. Review status: criteria provided, single submitter. Criteria: ACMG Guidelines, 2015. Collection method: clinical testing. Allele origin: germline.
Comment: This variant is classified as likely benign based on ACMG/AMP sequence variant interpretation guidelines (Richards et al. 2015 PMID: 25741868, with internal and published modifications).

NM_153002.3(GPR156):c.1277C>T (p.Ser426Leu)

Gene: GPR156 (G protein-coupled receptor 156; minus strand). Cytogenetic location: 3q13.33.
Variant type: single nucleotide variant.
Coding change: c.1277C>T on transcript NM_153002.3 (MANE Select); coding-DNA position 1277, C replaced by T.
Protein change: p.Ser426Leu; replaces serine 426 with leucine.
Molecular consequence: missense variant.
Genome position (GRCh38, 1-based): chr3:120,168,200, G>A on the plus strand (C>T on the coding strand, the complement: GPR156 is on the minus strand). VCF-style: chr3-120168200-G-A. GRCh37 (hg19) VCF-style: chr3-119887047-G-A.
Other names: c.1265C>T, p.Ser422Leu (NM_001168271.2); short protein forms S422L, S426L.
Identifiers: ClinVar variation 4984162 (VCV004984162.1).